The following is an entry in ClinVar:

ClinVar aggregate classification (germline): Uncertain significance (1 of 4 stars; one submission).

Conditions:
Luscan-Lumish syndrome. Identifiers: Orphanet 597738, MedGen C4085873, MONDO:0014791, OMIM 616831.

Submission:

Labcorp Genetics (formerly Invitae), Labcorp
Classification: Uncertain significance for Luscan-Lumish syndrome. Last evaluated: 2024-02-14. Review status: criteria provided, single submitter. Criteria: Invitae Variant Classification Sherloc (09022015). Collection method: clinical testing. Allele origin: germline.
Comment: This sequence change replaces leucine, which is neutral and non-polar, with phenylalanine, which is neutral and non-polar, at codon 1929 of the SETD2 protein (p.Leu1929Phe). This variant is not present in population databases (gnomAD no frequency). This variant has not been reported in the literature in individuals affected with SETD2-related conditions. Algorithms developed to predict the effect of missense changes on protein structure and function output the following: SIFT: "Not Available"; PolyPhen-2: "Benign"; Align-GVGD: "Not Available". The phenylalanine amino acid residue is found in multiple mammalian species, which suggests that this missense change does not adversely affect protein function. In summary, the available evidence is currently insufficient to determine the role of this variant in disease. Therefore, it has been classified as a Variant of Uncertain Significance.

NM_014159.7(SETD2):c.5785C>T (p.Leu1929Phe)

Gene: SETD2 (SET domain containing 2, histone lysine methyltransferase; minus strand). Cytogenetic location: 3p21.31.
Variant type: single nucleotide variant.
Coding change: c.5785C>T on transcript NM_014159.7 (MANE Select); coding-DNA position 5785, C replaced by T.
Protein change: p.Leu1929Phe; replaces leucine 1929 with phenylalanine.
Molecular consequence: missense variant. On other transcripts: non-coding transcript variant (1).
Genome position (GRCh38, 1-based): chr3:47,083,995, G>A on the plus strand (C>T on the coding strand, the complement: SETD2 is on the minus strand). VCF-style: chr3-47083995-G-A. GRCh37 (hg19) VCF-style: chr3-47125485-G-A.
Other names: c.5653C>T, p.Leu1885Phe (NM_001349370.3); short protein forms L1929F, L1885F.
Identifiers: ClinVar variation 3639618 (VCV003639618.2).